The following is an entry in ClinVar:

ClinVar aggregate classification (germline): Uncertain significance (1 of 4 stars; one submission).

Conditions:
Inborn genetic diseases. Identifiers: MedGen C0950123, MeSH D030342.

Submission:

Ambry Genetics
Classification: Uncertain significance for Inborn genetic diseases. Last evaluated: 2026-04-07. Review status: criteria provided, single submitter. Criteria: Ambry Variant Classification Scheme 2023. Collection method: clinical testing. Allele origin: germline.
Comment: The c.6704-2A>G intronic variant consists of a A to G substitution two nucleotides before exon 43 (coding exon 43) of the NBEA gene. Variants that disrupt the canonical splice site are expected to result in aberrant splicing. The resulting transcript is predicted to be in-frame and is not expected to trigger nonsense-mediated mRNA decay, although direct evidence is unavailable. This variant was not reported in population-based cohorts in the Genome Aggregation Database (gnomAD). This nucleotide position is highly conserved in available vertebrate species. In silico splice site analysis predicts that this alteration will weaken the native splice acceptor site and will result in the creation or strengthening of a novel splice acceptor site. Based on insufficient or conflicting evidence, the clinical significance of this alteration remains unclear.

NM_001385012.1(NBEA):c.6704-2A>G

Gene: NBEA (neurobeachin; plus strand). Cytogenetic location: 13q13.3.
Variant type: single nucleotide variant.
Coding change: c.6704-2A>G on transcript NM_001385012.1 (MANE Select); the canonical splice acceptor site of the intron before coding-DNA position 6704, A replaced by G.
Molecular consequence: splice acceptor variant.
Genome position (GRCh38, 1-based): chr13:35,550,928, A>G. VCF-style: chr13-35550928-A-G. GRCh37 (hg19) VCF-style: chr13-36125065-A-G.
Other names: c.6704-2A>G (NM_015678.5); c.6695-2A>G (NM_001379245.1); c.83-2A>G (NM_001204197.3).
Identifiers: ClinVar variation 4860741 (VCV004860741.1).
Genomic context (GRCh38, chr13:35,550,928, plus strand): 5'-AAAATTGATGGCTAACTTATCCTGCGGTTTTCTAAACTCTGTTTTTTTTCTTCTTACCAC[A>G]GCCTCAGTTATGTTTAATTTCCCTGATCAAGCAACAGTAAAAAAAGTTGTCTATAGCTTG-3'